The following is an entry in ClinVar:

NM_007118.4(TRIO):c.7946G>C (p.Gly2649Ala)

Gene: TRIO (trio Rho guanine nucleotide exchange factor; plus strand). Cytogenetic location: 5p15.2.
Variant type: single nucleotide variant.
Coding change: c.7946G>C on transcript NM_007118.4 (MANE Select); coding-DNA position 7946, G replaced by C.
Protein change: p.Gly2649Ala; replaces glycine 2649 with alanine.
Molecular consequence: missense variant. On other transcripts: non-coding transcript variant (1).
Genome position (GRCh38, 1-based): chr5:14,496,944, G>C. VCF-style: chr5-14496944-G-C. GRCh37 (hg19) VCF-style: chr5-14497053-G-C.
Other names: short protein forms G2649A.
Identifiers: ClinVar variation 1313779 (VCV001313779.2), dbSNP rs560268826, ClinGen allele CA3207670.

ClinVar aggregate classification (germline): Uncertain significance (1 of 4 stars; one submission).

Allele frequency attached by ClinVar (database versions not stated): gnomAD exomes below 0.00001 and 0.00001; ExAC 0.00001; TOPMed 0.00002; gnomAD 0.00004; 1000 Genomes Project 30x 0.00016; 1000 Genomes Project 0.00020.
gnomAD v4.1: 9 of 1,614,196 alleles (0.00056%); highest among the groups gnomAD compares: African/African-American, 0.011%; no homozygotes.

Submission:

GeneDx
Classification: Uncertain significance. Last evaluated: 2021-01-05. Review status: criteria provided, single submitter. Criteria: GeneDx Variant Classification Process June 2021. Collection method: clinical testing. Allele origin: germline. Affected: yes.
Comment: In silico analysis supports that this missense variant has a deleterious effect on protein structure/function; Has not been previously published as pathogenic or benign to our knowledge